The following is an entry in ClinVar:

ClinVar aggregate classification (germline): Uncertain significance. Review status: criteria provided, multiple submitters, no conflicts (2 of 4 stars). 3 submissions from 3 submitters: Uncertain significance (3). Last evaluated 2025-12-04.

Conditions:
PEX3-related disorder. Also called: PEX3-related condition.

gnomAD v4.1: 2 of 1,596,792 alleles (0.00013%); no homozygotes.

Submissions (3):

Labcorp Genetics (formerly Invitae), Labcorp
Classification: Uncertain significance. Last evaluated: 2025-12-04. Review status: criteria provided, single submitter. Criteria: Invitae Variant Classification Sherloc (09022015). Collection method: clinical testing. Allele origin: germline.
Comment: This sequence change creates a premature translational stop signal (p.Gln369*) in the PEX3 gene. While this is not anticipated to result in nonsense mediated decay, it is expected to disrupt the last 5 amino acid(s) of the PEX3 protein. This variant is not present in population databases (gnomAD no frequency). This variant has not been reported in the literature in individuals affected with PEX3-related conditions. ClinVar contains an entry for this variant (Variation ID: 2123825). Algorithms developed to predict the effect of sequence changes on RNA splicing suggest that this variant may disrupt the consensus splice site. In summary, the available evidence is currently insufficient to determine the role of this variant in disease. Therefore, it has been classified as a Variant of Uncertain Significance.

PreventionGenetics, part of Exact Sciences
Classification: Uncertain significance for PEX3-related condition. Last evaluated: 2024-12-10. Review status: criteria provided, single submitter. Criteria: ACMG Guidelines, 2015. Collection method: clinical testing. Allele origin: germline.
Comment: The PEX3 c.1105C>T variant is predicted to result in premature protein termination (p.Gln369*). To our knowledge, this variant has not been reported in the literature or in a large population database (gnomAD), indicating this variant is rare. While nonsense variants in PEX3 are expected to be pathogenic, this premature stop codon only impacts the last 5 amino acids of the Pex3 protein. At this time, the clinical significance of this variant is uncertain due to the absence of conclusive functional and genetic evidence.

Blueprint Genetics
Classification: Uncertain significance. Last evaluated: 2018-12-17. Review status: criteria provided, single submitter. Criteria: ACMG Guidelines, 2015. Collection method: clinical testing. Allele origin: germline.

NM_003630.3(PEX3):c.1105C>T (p.Gln369Ter)

Gene: PEX3 (peroxisomal biogenesis factor 3; plus strand). Cytogenetic location: 6q24.2.
Variant type: single nucleotide variant.
Coding change: c.1105C>T on transcript NM_003630.3 (MANE Select); coding-DNA position 1105, C replaced by T.
Protein change: p.Gln369Ter; replaces glutamine 369 with a stop codon.
Molecular consequence: nonsense.
Genome position (GRCh38, 1-based): chr6:143,489,209, C>T. VCF-style: chr6-143489209-C-T. GRCh37 (hg19) VCF-style: chr6-143810346-C-T.
Other names: c.1105C>T (NM_003630.2); short protein forms Q369*.
Identifiers: ClinVar variation 2123825 (VCV002123825.6), dbSNP rs2482466064, ClinGen allele CA365888840.